The following is an entry in ClinVar:

NM_000203.5(IDUA):c.1910C>T (p.Pro637Leu)

Gene: IDUA (alpha-L-iduronidase; plus strand). Cytogenetic location: 4p16.3.
Variant type: single nucleotide variant.
Coding change: c.1910C>T on transcript NM_000203.5 (MANE Select); coding-DNA position 1910, C replaced by T.
Protein change: p.Pro637Leu; replaces proline 637 with leucine.
Molecular consequence: missense variant. On other transcripts: non-coding transcript variant (1).
Genome position (GRCh38, 1-based): chr4:1,004,341, C>T. VCF-style: chr4-1004341-C-T. GRCh37 (hg19) VCF-style: chr4-998129-C-T.
Other names: c.1514C>T, p.Pro505Leu (NM_001363576.1); c.1910C>T (NM_000203.3); short protein forms P637L, P505L.
Identifiers: ClinVar variation 970078 (VCV000970078.8), dbSNP rs371369206, ClinGen allele CA2802468.

ClinVar aggregate classification (germline): Uncertain significance. Review status: criteria provided, multiple submitters, no conflicts (2 of 4 stars). 3 submissions from 3 submitters: Uncertain significance (2). 1 of the submissions does not count toward it. Last evaluated 2024-12-31.

Conditions:
Mucopolysaccharidosis type 1. Also called: IDUA deficiency; MPS I. Identifiers: Orphanet 579, MedGen C0023786, MONDO:0001586.
Inborn genetic diseases. Identifiers: MedGen C0950123, MeSH D030342.

Allele frequency attached by ClinVar (database versions not stated): gnomAD 0.00007; ESP Exome Variant Server 0.00008; ExAC 0.00003; gnomAD exomes 0.00006.
gnomAD v4.1: 146 of 1,611,692 alleles (0.0091%); highest among the groups gnomAD compares: Middle Eastern, 0.017%; no homozygotes.

Submissions (3):

Ambry Genetics
Classification: Uncertain significance for Inborn genetic diseases. Last evaluated: 2024-12-31. Review status: criteria provided, single submitter. Criteria: Ambry Variant Classification Scheme 2023. Collection method: clinical testing. Allele origin: germline.

Labcorp Genetics (formerly Invitae), Labcorp
Classification: Uncertain significance for Mucopolysaccharidosis type 1. Last evaluated: 2022-07-12. Review status: criteria provided, single submitter. Criteria: Invitae Variant Classification Sherloc (09022015). Collection method: clinical testing. Allele origin: germline.
Comment: This sequence change replaces proline, which is neutral and non-polar, with leucine, which is neutral and non-polar, at codon 637 of the IDUA protein (p.Pro637Leu). This variant is present in population databases (rs371369206, gnomAD 0.01%). This variant has not been reported in the literature in individuals affected with IDUA-related conditions. ClinVar contains an entry for this variant (Variation ID: 970078). Advanced modeling of protein sequence and biophysical properties (such as structural, functional, and spatial information, amino acid conservation, physicochemical variation, residue mobility, and thermodynamic stability) performed at Invitae indicates that this missense variant is not expected to disrupt IDUA protein function. In summary, the available evidence is currently insufficient to determine the role of this variant in disease. Therefore, it has been classified as a Variant of Uncertain Significance.

Natera, Inc.
Classification: Uncertain significance for Mucopolysaccharidosis type I. Last evaluated: 2020-10-23. Review status: no assertion criteria provided. Collection method: clinical testing. Allele origin: germline. Not counted in ClinVar's aggregate classification.